The following is an entry in ClinVar:

NM_001347721.2(DYRK1A):c.208-201C>G

Gene: DYRK1A (dual specificity tyrosine phosphorylation regulated kinase 1A; plus strand). Cytogenetic location: 21q22.13.
Variant type: single nucleotide variant.
Coding change: c.208-201C>G on transcript NM_001347721.2 (MANE Select); 201 bases into the intron before coding-DNA position 208, C replaced by G.
Molecular consequence: intron variant.
Genome position (GRCh38, 1-based): chr21:37,478,007, C>G. VCF-style: chr21-37478007-C-G. GRCh37 (hg19) VCF-style: chr21-38850309-C-G.
Other names: c.208-174C>G (NM_001396.5, NM_101395.2, NM_130438.2); c.208-201C>G (NM_001347722.2, NM_130436.2); c.121-201C>G (NM_001347723.2).
Identifiers: ClinVar variation 677320 (VCV000677320.1), dbSNP rs139014710, ClinGen allele CA320475480.
Genomic context (GRCh38, chr21:37,478,007, plus strand): 5'-TTTAAATTTGGCGGAATAGGATCAAAGCCTCAGGCAGCTGGGCATATTATCCTCTAATTT[C>G]ATTGATTTGTTCTAGTGGTTGTCTTTATTGGAATCCACATGAAAGGGAACTTTGAGAGAG-3'

ClinVar aggregate classification (germline): Likely benign (1 of 4 stars; one submission).

Allele frequency attached by ClinVar (database versions not stated): 1000 Genomes Project 30x 0.00828; 1000 Genomes Project 0.00859; gnomAD 0.00970 and 0.01051; TOPMed 0.01055.
gnomAD v4.1: 1,468 of 152,296 alleles (0.96%); highest among the groups gnomAD compares: African/African-American, 3.2%; 20 homozygotes.

Submission:

GeneDx
Classification: Likely benign. Last evaluated: 2018-06-14. Review status: criteria provided, single submitter. Criteria: GeneDx Variant Classification (06012015). Collection method: clinical testing. Allele origin: germline. Affected: yes.
Comment: This variant is considered likely benign or benign based on one or more of the following criteria: it is a conservative change, it occurs at a poorly conserved position in the protein, it is predicted to be benign by multiple in silico algorithms, and/or has population frequency not consistent with disease.